The following is an entry in ClinVar:

NM_000260.4(MYO7A):c.5948T>C (p.Ile1983Thr)

Gene: MYO7A (myosin VIIA; plus strand). Cytogenetic location: 11q13.5.
Variant type: single nucleotide variant.
Coding change: c.5948T>C on transcript NM_000260.4 (MANE Select); coding-DNA position 5948, T replaced by C.
Protein change: p.Ile1983Thr; replaces isoleucine 1983 with threonine.
Molecular consequence: missense variant.
Genome position (GRCh38, 1-based): chr11:77,208,700, T>C. VCF-style: chr11-77208700-T-C. GRCh37 (hg19) VCF-style: chr11-76919745-T-C.
Other names: c.5834T>C, p.Ile1945Thr (NM_001127180.2); c.5801T>C, p.Ile1934Thr (NM_001369365.1); short protein forms I1934T, I1945T, I1983T.
Identifiers: ClinVar variation 2164252 (VCV002164252.3), dbSNP rs1445050163, ClinGen allele CA381934008.

ClinVar aggregate classification (germline): Uncertain significance (1 of 4 stars; one submission).

Allele frequency attached by ClinVar (database versions not stated): gnomAD exomes below 0.00001; TOPMed below 0.00001; gnomAD 0.00001.
gnomAD v4.1: 7 of 1,580,758 alleles (0.00044%); highest among the groups gnomAD compares: Non-Finnish European, 0.0006%; no homozygotes.

Submission:

Labcorp Genetics (formerly Invitae), Labcorp
Classification: Uncertain significance. Last evaluated: 2024-09-23. Review status: criteria provided, single submitter. Criteria: Invitae Variant Classification Sherloc (09022015). Collection method: clinical testing. Allele origin: germline.
Comment: This sequence change replaces isoleucine, which is neutral and non-polar, with threonine, which is neutral and polar, at codon 1983 of the MYO7A protein (p.Ile1983Thr). This variant is not present in population databases (gnomAD no frequency). This variant has not been reported in the literature in individuals affected with MYO7A-related conditions. ClinVar contains an entry for this variant (Variation ID: 2164252). Invitae Evidence Modeling of protein sequence and biophysical properties (such as structural, functional, and spatial information, amino acid conservation, physicochemical variation, residue mobility, and thermodynamic stability) indicates that this missense variant is not expected to disrupt MYO7A protein function with a negative predictive value of 95%. In summary, the available evidence is currently insufficient to determine the role of this variant in disease. Therefore, it has been classified as a Variant of Uncertain Significance.